The following is an entry in ClinVar:

ClinVar aggregate classification (germline): Benign (1 of 4 stars; one submission).

Allele frequency attached by ClinVar (database versions not stated): 1000 Genomes Project 0.15216; TOPMed 0.14778; 1000 Genomes Project 30x 0.15131.
gnomAD v4.1: 24,199 of 152,078 alleles (16%); highest among the groups gnomAD compares: South Asian, 25%; 2,024 homozygotes.

Submission:

GeneDx
Classification: Benign. Last evaluated: 2018-06-19. Review status: criteria provided, single submitter. Criteria: GeneDx Variant Classification (06012015). Collection method: clinical testing. Allele origin: germline. Affected: yes.
Comment: This variant is considered likely benign or benign based on one or more of the following criteria: it is a conservative change, it occurs at a poorly conserved position in the protein, it is predicted to be benign by multiple in silico algorithms, and/or has population frequency not consistent with disease.

NM_139343.3(BIN1):c.85-298C>G

Gene: BIN1 (bridging integrator 1; minus strand). Cytogenetic location: 2q14.3.
Variant type: single nucleotide variant.
Coding change: c.85-298C>G on transcript NM_139343.3 (MANE Select); 298 bases into the intron before coding-DNA position 85, C replaced by G.
Molecular consequence: intron variant.
Genome position (GRCh38, 1-based): chr2:127,077,004, G>C on the plus strand (C>G on the coding strand, the complement: BIN1 is on the minus strand). VCF-style: chr2-127077004-G-C. GRCh37 (hg19) VCF-style: chr2-127834580-G-C.
Other names: c.4-298C>G (NM_001320642.1); c.13-298C>G (NM_001320634.1); c.85-298C>G (NM_139351.3, NM_139350.3, NM_139349.3 and 10 more transcripts).
Identifiers: ClinVar variation 668023 (VCV000668023.1), dbSNP rs17014893, ClinGen allele CA11082078.